The following is an entry in ClinVar:

ClinVar aggregate classification (germline): Uncertain significance (0 of 4 stars; one submission).

Conditions:
PLXNA1-related disorder. Also called: PLXNA1-related condition.

Submission:

PreventionGenetics, part of Exact Sciences
Classification: Uncertain significance for PLXNA1-related condition. Last evaluated: 2024-09-25. Review status: no assertion criteria provided. Collection method: clinical testing. Allele origin: germline.
Comment: The PLXNA1 c.5578A>G variant is predicted to result in the amino acid substitution p.Thr1860Ala. To our knowledge, this variant has not been reported in the literature. This variant is reported in 0.0018% of alleles in individuals of European (Non-Finnish) descent in gnomAD. At this time, the clinical significance of this variant is uncertain due to the absence of conclusive functional and genetic evidence.

NM_032242.4(PLXNA1):c.5578A>G (p.Thr1860Ala)

Gene: PLXNA1 (plexin A1; plus strand). Cytogenetic location: 3q21.3.
Variant type: single nucleotide variant.
Coding change: c.5578A>G on transcript NM_032242.4 (MANE Select); coding-DNA position 5578, A replaced by G.
Protein change: p.Thr1860Ala; replaces threonine 1860 with alanine.
Molecular consequence: missense variant.
Genome position (GRCh38, 1-based): chr3:127,032,819, A>G. VCF-style: chr3-127032819-A-G. GRCh37 (hg19) VCF-style: chr3-126751662-A-G.
Other names: short protein forms T1860A.
Identifiers: ClinVar variation 3355197 (VCV003355197.1).